The following is an entry in ClinVar:

NM_004525.3(LRP2):c.5641G>T (p.Ala1881Ser)

Gene: LRP2 (LDL receptor related protein 2; minus strand). Cytogenetic location: 2q31.1.
Variant type: single nucleotide variant.
Coding change: c.5641G>T on transcript NM_004525.3 (MANE Select); coding-DNA position 5641, G replaced by T.
Protein change: p.Ala1881Ser; replaces alanine 1881 with serine.
Molecular consequence: missense variant.
Genome position (GRCh38, 1-based): chr2:169,220,461, C>A on the plus strand (G>T on the coding strand, the complement: LRP2 is on the minus strand). VCF-style: chr2-169220461-C-A. GRCh37 (hg19) VCF-style: chr2-170076971-C-A.
Other names: short protein forms A1881S.
Identifiers: ClinVar variation 3370666 (VCV003370666.1).
Genomic context (GRCh38, chr2:169,220,461, plus strand): 5'-CATTAACAAGAACAATGCTGCATGGAAGACACGTGCCATTTATGAATACTCACCCACGAG[C>A]AGGATCAACAGTTATGCCAATTGGAAAGCCAACTCCAAGAGCTGTCCCATCATTGGCAAT-3'
Protein context (NP_004516.2, residues 1871-1891): GFPIGITVDP[Ala1881Ser]RGKLYWSDQG

ClinVar aggregate classification (germline): Uncertain significance (1 of 4 stars; one submission).

Submission:

GeneDx
Classification: Uncertain significance. Last evaluated: 2024-03-07. Review status: criteria provided, single submitter. Criteria: GeneDx Variant Classification Process June 2021. Collection method: clinical testing. Allele origin: germline. Affected: yes.
Comment: Not observed at significant frequency in large population cohorts (gnomAD); In silico analysis supports that this missense variant does not alter protein structure/function; Has not been previously published as pathogenic or benign to our knowledge